The following is an entry in ClinVar:

NM_001346754.2(PIGW):c.826C>T (p.Leu276Phe)

Genes: MYO19 (myosin XIX; minus strand), PIGW (phosphatidylinositol glycan anchor biosynthesis class W; plus strand). Cytogenetic location: 17q12.
Variant type: single nucleotide variant.
Coding change: c.826C>T on transcript NM_001346754.2 (MANE Select); coding-DNA position 826, C replaced by T.
Protein change: p.Leu276Phe; replaces leucine 276 with phenylalanine.
Molecular consequence: missense variant.
Genome position (GRCh38, 1-based): chr17:36,537,927, C>T. VCF-style: chr17-36537927-C-T. GRCh37 (hg19) VCF-style: chr17-34893776-C-T.
Other names: c.826C>T, p.Leu276Phe (NM_001346755.2, NM_178517.5); short protein forms L276F.
Identifiers: ClinVar variation 1390452 (VCV001390452.7), dbSNP rs2074165401, ClinGen allele CA399163673.
Genomic context (GRCh38, chr17:36,537,927, plus strand): 5'-TTTCCCCTAAATAAGTCCTGGATTATTGCCCTCGGCATTACTGTATTATACCAGCTAGCC[C>T]TTGACTTTACCTCACTGAAGAGGTTAATATTATATGGCACTGATGGTAGTGGCACACGGG-3'
Protein context (NP_001333683.1, residues 266-286): LGITVLYQLA[Leu276Phe]DFTSLKRLIL

ClinVar aggregate classification (germline): Uncertain significance (1 of 4 stars; one submission).

Conditions:
Hyperphosphatasia with intellectual disability syndrome 5 (GPIBD11). Also called: GLYCOSYLPHOSPHATIDYLINOSITOL BIOSYNTHESIS DEFECT 11. Identifiers: Orphanet 247262, MedGen C4014958, MONDO:0014457, OMIM 616025.

Allele frequency attached by ClinVar (database versions not stated): gnomAD exomes below 0.00001.
gnomAD v4.1: 2 of 1,613,934 alleles (0.00012%); highest among the groups gnomAD compares: Admixed American, 0.0017%; no homozygotes.

Submission:

Labcorp Genetics (formerly Invitae), Labcorp
Classification: Uncertain significance for Hyperphosphatasia with intellectual disability syndrome 5. Last evaluated: 2022-02-05. Review status: criteria provided, single submitter. Criteria: Invitae Variant Classification Sherloc (09022015). Collection method: clinical testing. Allele origin: germline.
Comment: This variant is not present in population databases (gnomAD no frequency). This sequence change replaces leucine, which is neutral and non-polar, with phenylalanine, which is neutral and non-polar, at codon 276 of the PIGW protein (p.Leu276Phe). This variant has not been reported in the literature in individuals affected with PIGW-related conditions. In summary, the available evidence is currently insufficient to determine the role of this variant in disease. Therefore, it has been classified as a Variant of Uncertain Significance. Algorithms developed to predict the effect of missense changes on protein structure and function are either unavailable or do not agree on the potential impact of this missense change (SIFT: "Deleterious"; PolyPhen-2: "Probably Damaging"; Align-GVGD: "Class C0").